The following is an entry in ClinVar:

NM_001042492.3(NF1):c.5192T>A (p.Leu1731Ter)

Gene: NF1 (neurofibromin 1; plus strand). Cytogenetic location: 17q11.2.
Variant type: single nucleotide variant.
Coding change: c.5192T>A on transcript NM_001042492.3 (MANE Select); coding-DNA position 5192, T replaced by A.
Protein change: p.Leu1731Ter; replaces leucine 1731 with a stop codon.
Molecular consequence: nonsense.
Genome position (GRCh38, 1-based): chr17:31,326,176, T>A. VCF-style: chr17-31326176-T-A. GRCh37 (hg19) VCF-style: chr17-29653194-T-A.
Other names: c.5129T>A, p.Leu1710Ter (NM_000267.4); short protein forms L1710*, L1731*.
Identifiers: ClinVar variation 572862 (VCV000572862.5), dbSNP rs1567611604, ClinGen allele CA399008019.

ClinVar aggregate classification (germline): Pathogenic (1 of 4 stars; one submission).

Conditions:
Neurofibromatosis, type 1 (NF1). Also called: Peripheral type neurofibromatosis; VON RECKLINGHAUSEN DISEASE; Neurofibromatosis, type I; NEUROFIBROMATOSIS, TYPE I, SOMATIC. Identifiers: Orphanet 636, MedGen C0027831, MONDO:0018975, OMIM 162200. Disease mechanism: loss of function.

Submission:

Labcorp Genetics (formerly Invitae), Labcorp
Classification: Pathogenic for Neurofibromatosis, type 1. Last evaluated: 2018-02-22. Review status: criteria provided, single submitter. Criteria: Invitae Variant Classification Sherloc (09022015). Collection method: clinical testing. Allele origin: germline.
Comment: This sequence change creates a premature translational stop signal (p.Leu1710*) in the NF1 gene. It is expected to result in an absent or disrupted protein product. This variant is not present in population databases (ExAC no frequency). This variant has not been reported in the literature in individuals with NF1-related disease. Loss-of-function variants in NF1 are known to be pathogenic (PMID: 10712197, 23913538). For these reasons, this variant has been classified as Pathogenic.

Literature cited by the submitters: PubMed 10712197; PubMed 23913538.